The following is an entry in ClinVar:

NM_004006.3(DMD):c.1724T>C (p.Leu575Pro)

Gene: DMD (dystrophin; minus strand). Cytogenetic location: Xp21.1.
Variant type: single nucleotide variant.
Coding change: c.1724T>C on transcript NM_004006.3 (MANE Select); coding-DNA position 1724, T replaced by C.
Protein change: p.Leu575Pro; replaces leucine 575 with proline.
Molecular consequence: missense variant.
Genome position (GRCh38, 1-based): chrX:32,573,618, A>G on the plus strand (T>C on the coding strand, the complement: DMD is on the minus strand). VCF-style: chrX-32573618-A-G. GRCh37 (hg19) VCF-style: chrX-32591735-A-G.
Other names: p.L575P:CTT>CCT; c.1700T>C, p.Leu567Pro (NM_000109.4); c.1712T>C, p.Leu571Pro (NM_004009.3); c.1355T>C, p.Leu452Pro (NM_004010.3); short protein forms L567P, L575P, L452P, L571P.
Identifiers: ClinVar variation 161220 (VCV000161220.52), dbSNP rs370644567, ClinGen allele CA211406.

ClinVar aggregate classification (germline): Conflicting classifications of pathogenicity. Review status: criteria provided, conflicting classifications (1 of 4 stars). 20 submissions from 18 submitters: Pathogenic (3); Likely pathogenic (7); Pathogenic, low penetrance (1); Uncertain significance (5). 4 of the submissions do not count toward it. Last evaluated 2026-07-09.

Conditions:
Cardiovascular phenotype. Identifiers: MedGen CN230736.
DMD-related disorder. Also called: DMD-related condition.
Becker muscular dystrophy, Cardiomyopathy, Duchenne muscular dystrophy, Dystrophin deficiency.
Muscular dystrophy. Identifiers: Orphanet 98473, MedGen C0026850, MeSH D009136, MONDO:0020121, HP:0003560.
Exertional myalgia, muscle stiffness and myoglobinuria. Identifiers: MedGen CN221546.
Becker muscular dystrophy (BMD). Also called: MUSCULAR DYSTROPHY, PSEUDOHYPERTROPHIC PROGRESSIVE, BECKER TYPE; Becker Muscular Dystrophy (BMD). Identifiers: Orphanet 98895, MedGen C0917713, MONDO:0010311, OMIM 300376.
Duchenne muscular dystrophy (DMD). Also called: Duchenne Muscular Dystrophy (DMD); MUSCULAR DYSTROPHY, PSEUDOHYPERTROPHIC PROGRESSIVE, DUCHENNE TYPE. Identifiers: Orphanet 98896, MedGen C0013264, MONDO:0010679, OMIM 310200.
Neuromuscular disease caused by qualitative or quantitative defects of dystrophin. Also called: Qualitative or quantitative defects of dystrophin. Identifiers: Orphanet 207085, MedGen C5679787, MONDO:0016147.
Dilated cardiomyopathy 3B (CMD3B). Also called: CMD3B: DMD-Related Dilated Cardiomyopathy; CARDIOMYOPATHY, DILATED, X-LINKED; DMD-Associated Dilated Cardiomyopathy. Identifiers: Orphanet 154, MedGen C3668940, MONDO:0010542, OMIM 302045.

Allele frequency attached by ClinVar (database versions not stated): ESP Exome Variant Server 0.00009; ExAC 0.00001; gnomAD 0.00006 and 0.00008; TOPMed 0.00005; gnomAD exomes 0.00001.
gnomAD v4.1: 21 of 1,209,011 alleles (0.0017%); highest among the groups gnomAD compares: Admixed American, 0.0022%; no homozygotes.

Submissions 1 to 8 of 20:

Ambry Genetics
Classification: Uncertain significance for Cardiovascular phenotype. Last evaluated: 2026-07-09. Review status: criteria provided, single submitter. Criteria: Ambry Variant Classification Scheme 2023. Collection method: clinical testing. Allele origin: germline.
Comment: The p.L575P variant (also known as c.1724T>C), located in coding exon 15 of the DMD gene, results from a T to C substitution at nucleotide position 1724. The leucine at codon 575 is replaced by proline, an amino acid with similar properties. This variant has been detected in three pediatric-aged males with elevated serum CK and other signs of myopathy including exertional myalgia and abnormal muscle biopsies. However, dystrophin immunostaining and Western blot analyses were reportedly normal (Veerapandiyan A et al. Muscle Nerve, 2010 Dec;42:975-9). This variant (referred to as p.L567P, c.1700T>C) has been seen in an exome cohort, but clinical history was not provided (Amendola LM et al. Genome Res, 2015 Mar;25:305-15). Based on data from gnomAD, the C allele has an overall frequency of <0.01% (1/22008) total alleles studied, with 0 hemizygotes observed. The highest observed frequency was <0.01% (1/10867) of European (non-Finnish) alleles. This amino acid position is highly conserved in available vertebrate species. In addition, this alteration is predicted to be deleterious by in silico analysis. Based on the available evidence, the clinical significance of this variant remains unclear.

PreventionGenetics, part of Exact Sciences
Classification: Likely pathogenic for DMD-related condition. Last evaluated: 2026-06-15. Review status: criteria provided, single submitter. Criteria: ACMG Guidelines, 2015. Collection method: clinical testing. Allele origin: germline.
Comment: The DMD c.1724T>C variant is predicted to result in the amino acid substitution p.Leu575Pro. This variant was reported in 3 unrelated males with exertional myalgia, muscle stiffness & myoglobinuria (Veerapandiyan et al. 2010. PubMed ID: 21104870). This variant was also reported in an additional individual with clinical suspicion of DMD/BMD (Table S1, Nallamilli et al. 2021. PubMed ID: 33644936). The c.1724T>C variant was also reported in 5 additional male patients with mild features of dystrophinopathy such as elevated CK, pain after exercise, and increased fatigability (Tavallaee et al. 2022. PubMed ID:36409343). This variant is reported in 0.0092% of alleles (1 of 22,008) in individuals of European (Non-Finnish) descent in gnomAD. This variant is interpreted as likely pathogenic.

Labcorp Genetics (formerly Invitae), Labcorp
Classification: Pathogenic, low penetrance for Duchenne muscular dystrophy. Last evaluated: 2026-01-06. Review status: criteria provided, single submitter. Criteria: Invitae Variant Classification Sherloc (09022015). Collection method: clinical testing. Allele origin: germline.
Comment: This sequence change replaces leucine, which is neutral and non-polar, with proline, which is neutral and non-polar, at codon 575 of the DMD protein (p.Leu575Pro). This variant is present in population databases (rs370644567, gnomAD 0.002%). This missense variant is significantly enriched in male individuals referred for diagnostic genetic testing of muscular dystrophy and has been observed in individual(s) with mild features of dystrophinopathy as well as in some unaffected individuals (PMID: 21104870; internal data). ClinVar contains an entry for this variant (Variation ID: 161220). Invitae Evidence Modeling of protein sequence and biophysical properties (such as structural, functional, and spatial information, amino acid conservation, physicochemical variation, residue mobility, and thermodynamic stability) indicates that this missense variant is not expected to disrupt DMD protein function with a negative predictive value of 95%. In summary, this variant is reported to cause disease. However, as this variant is associated with a lower penetrance than other pathogenic alleles in the DMD gene, it has been classified as Pathogenic (low penetrance).

GeneDx
Classification: Pathogenic. Last evaluated: 2025-12-09. Review status: criteria provided, single submitter. Criteria: GeneDx Variant Classification Process June 2021. Collection method: clinical testing. Allele origin: germline. Affected: yes.
Comment: In silico analysis supports that this missense variant has a deleterious effect on protein structure/function; Missense variant in a gene in which most reported pathogenic variants are truncating/loss-of-function; This variant is associated with the following publications: (PMID: 25637381, 21104870, 33644936, 36409343)

Natera, Inc.
Classification: Likely pathogenic for Becker muscular dystrophy, Cardiomyopathy, Duchenne muscular dystrophy, Dystrophin deficiency. Last evaluated: 2025-10-07. Review status: criteria provided, single submitter. Criteria: Natera Variant Classification Schema (03/2026). Collection method: clinical testing. Allele origin: germline.
Comment: The c.1724T>C variant in DMD is a missense variant predicted to cause substitution of leucine to proline at amino acid 575. This variant is rare in the general population with a frequency below the threshold expected for the associated phenotype(s). This variant has been observed in affected individual(s) with monoallelic occurrence (heterozygous/hemizygous) (PMID: 21104870, 33644936, 36409343, 35135626, 33146414). Computational prediction algorithms indicate this variant is likely to affect gene or protein function. Given the available evidence, this variant is classified as Likely Pathogenic.

Otogenetics
Classification: Likely pathogenic for Duchenne muscular dystrophy; Becker muscular dystrophy. Last evaluated: 2025-08-25. Review status: criteria provided, single submitter. Criteria: ACMG Guidelines, 2015. Collection method: clinical testing. Allele origin: germline.
Comment: PS4: Prevalence of the variant in unrelated affected individuals is significantly increased compared to prevalence in controls (PMID: 21104870, 26365249, 35135626, 36409343); PM2: Maximum gnomAD MAF of 0.0022% in American (AMR) subpopulation (<0.05% threshold); PP3: In-silico models predict deleterious effect (Revel = 0.78, BayesDel = 0.44)

Revvity Omics, Revvity
Classification: Likely pathogenic. Last evaluated: 2025-06-09. Review status: criteria provided, single submitter. Criteria: ACMG Guidelines, 2015. Collection method: clinical testing. Allele origin: germline.

Women's Health and Genetics/Laboratory Corporation of America, LabCorp
Classification: Pathogenic for Neuromuscular disease caused by qualitative or quantitative defects of dystrophin. Last evaluated: 2024-10-09. Review status: criteria provided, single submitter. Criteria: LabCorp Variant Classification Summary - May 2015. Collection method: clinical testing. Allele origin: germline.
Comment: Variant summary: DMD c.1724T>C (p.Leu575Pro) results in a non-conservative amino acid change located in the Central rod domain: Repeat 3 of the encoded protein sequence. Five of five in-silico tools predict a damaging effect of the variant on protein function. The variant was absent in 183132 control chromosomes. c.1724T>C has been reported in the literature in multiple individuals affected with Dystrophinopathies (example, (Becker_2021, Railean_2022, Tavallaee_2022, Herman_MN). These data indicate that the variant is very likely to be associated with disease. To our knowledge, no experimental evidence demonstrating an impact on protein function has been reported. The following publications have been ascertained in the context of this evaluation (PMID: 25637381, 35135626, 33146414, 33644936, 31648988, 36409343, 26365249, 21104870, Railean et al). ClinVar contains an entry for this variant (Variation ID: 161220). Based on the evidence outlined above, the variant was classified as pathogenic.